The following is an entry in ClinVar:

NM_001278.5(CHUK):c.1348G>T (p.Ala450Ser)

Gene: CHUK (component of inhibitor of nuclear factor kappa B kinase complex; minus strand). Cytogenetic location: 10q24.31.
Variant type: single nucleotide variant.
Coding change: c.1348G>T on transcript NM_001278.5 (MANE Select); coding-DNA position 1348, G replaced by T.
Protein change: p.Ala450Ser; replaces alanine 450 with serine.
Molecular consequence: missense variant. On other transcripts: non-coding transcript variant (8).
Genome position (GRCh38, 1-based): chr10:100,205,083, C>A on the plus strand (G>T on the coding strand, the complement: CHUK is on the minus strand). VCF-style: chr10-100205083-C-A. GRCh37 (hg19) VCF-style: chr10-101964840-C-A.
Other names: c.1348G>T, p.Ala450Ser (NM_001320928.2, NM_001441062.1, NM_001441063.1); c.1240G>T, p.Ala414Ser (NM_001441064.1); c.1066G>T, p.Ala356Ser (NM_001441065.1); c.721G>T, p.Ala241Ser (NM_001441066.1); short protein forms A241S, A356S, A414S, A450S.
Identifiers: ClinVar variation 4698311 (VCV004698311.1).

ClinVar aggregate classification (germline): Uncertain significance (1 of 4 stars; one submission).

Submission:

Labcorp Genetics (formerly Invitae), Labcorp
Classification: Uncertain significance. Last evaluated: 2025-07-02. Review status: criteria provided, single submitter. Criteria: Invitae Variant Classification Sherloc (09022015). Collection method: clinical testing. Allele origin: germline.
Comment: This sequence change replaces alanine, which is neutral and non-polar, with serine, which is neutral and polar, at codon 450 of the CHUK protein (p.Ala450Ser). This variant is present in population databases (rs765450136, gnomAD 0.008%). This variant has not been reported in the literature in individuals affected with CHUK-related conditions. An algorithm developed to predict the effect of missense changes on protein structure and function (PolyPhen-2) suggests that this variant is likely to be disruptive. Algorithms developed to predict the effect of sequence changes on RNA splicing suggest that this variant may create or strengthen a splice site. In summary, the available evidence is currently insufficient to determine the role of this variant in disease. Therefore, it has been classified as a Variant of Uncertain Significance.